The following is an entry in ClinVar:

ClinVar aggregate classification (germline): Likely benign (1 of 4 stars; one submission).

Allele frequency attached by ClinVar (database versions not stated): TOPMed 0.00007; gnomAD 0.00009.
gnomAD v4.1: 43 of 1,613,972 alleles (0.0027%); highest among the groups gnomAD compares: African/African-American, 0.021%; no homozygotes.

Submissions (2):

CeGaT Center for Human Genetics Tuebingen
Classification: Likely benign. Last evaluated: 2022-08-01. Review status: criteria provided, single submitter. Criteria: CeGaT Center For Human Genetics Tuebingen Variant Classification Criteria Version 2. Collection method: clinical testing. Allele origin: germline. Affected: yes. Observed: 1 variant allele.
Comment: MAP1B: BP4, BP7

Dr. Peter K. Rogan Lab, Western University
No classification provided (evidence only). Condition: Hepatocellular carcinoma. Review status: no classification provided. Collection method: in vitro. Allele origin: not applicable. Functional consequence: retained intron. Not counted in ClinVar's aggregate classification.

NM_005909.5(MAP1B):c.5025C>T (p.Gly1675=)

Gene: MAP1B (microtubule associated protein 1B; plus strand). Cytogenetic location: 5q13.2.
Variant type: single nucleotide variant.
Coding change: c.5025C>T on transcript NM_005909.5 (MANE Select); coding-DNA position 5025, C replaced by T.
Protein change: p.Gly1675=; no amino-acid change (glycine 1675 retained).
Molecular consequence: synonymous variant.
Genome position (GRCh38, 1-based): chr5:72,198,380, C>T. VCF-style: chr5-72198380-C-T. GRCh37 (hg19) VCF-style: chr5-71494207-C-T.
Other names: NC_000005.9:g.71494207C>T; c.4647C>T, p.Gly1549= (NM_001324255.2).
Identifiers: ClinVar variation 2655519 (VCV002655519.25), dbSNP rs768923611, ClinGen allele CA3299243.